The following is an entry in ClinVar:

ClinVar aggregate classification (germline): Uncertain significance (1 of 4 stars; one submission).

Submission:

GeneDx
Classification: Uncertain significance. Last evaluated: 2024-06-05. Review status: criteria provided, single submitter. Criteria: GeneDx Variant Classification Process June 2021. Collection method: clinical testing. Allele origin: germline. Affected: yes.
Comment: Not observed at significant frequency in large population cohorts (gnomAD); In silico analysis supports that this missense variant has a deleterious effect on protein structure/function; Has not been previously published as pathogenic or benign to our knowledge

NM_001148.6(ANK2):c.2182G>A (p.Gly728Ser)

Gene: ANK2 (ankyrin 2; plus strand). Cytogenetic location: 4q26.
Variant type: single nucleotide variant.
Coding change: c.2182G>A on transcript NM_001148.6 (MANE Select); coding-DNA position 2182, G replaced by A.
Protein change: p.Gly728Ser; replaces glycine 728 with serine.
Molecular consequence: missense variant.
Genome position (GRCh38, 1-based): chr4:113,288,391, G>A. VCF-style: chr4-113288391-G-A. GRCh37 (hg19) VCF-style: chr4-114209547-G-A.
Other names: c.2119G>A, p.Gly707Ser (NM_001127493.3, NM_001354239.2, NM_001354243.2 and 10 more transcripts); c.2182G>A, p.Gly728Ser (NM_001354225.2, NM_001354228.2, NM_001354232.2 and 6 more transcripts); c.2227G>A, p.Gly743Ser (NM_001354230.2, NM_001354231.2, NM_001354237.2 and 5 more transcripts); c.2083G>A, p.Gly695Ser (NM_001354245.2, NM_001354268.2); c.2095G>A, p.Gly699Ser (NM_001354249.2, NM_001354264.2, NM_001354266.2 and 10 more transcripts); c.2020G>A, p.Gly674Ser (NM_001354253.2, NM_001354257.2, NM_001354270.2 and 1 more transcripts); c.1996G>A, p.Gly666Ser (NM_001354260.2, NM_001354271.2, NM_001386151.1); c.2140G>A, p.Gly714Ser (NM_001354261.2, NM_001386147.1, NM_001386160.1); and 8 more; short protein forms G600S, G633S, G658S, G662S, G666S, G674S, G695S, G699S.
Identifiers: ClinVar variation 3384268 (VCV003384268.1).